The following is an entry in ClinVar:

ClinVar aggregate classification (germline): Uncertain significance (1 of 4 stars; one submission).

Conditions:
Congenital dyserythropoietic anemia, type II (CDAN2). Also called: DYSERYTHROPOIETIC ANEMIA, HEMPAS TYPE. Identifiers: Orphanet 98873, MedGen C1306589, MONDO:0009134, OMIM 224100.
Cowden syndrome 7 (CWS7). Identifiers: Orphanet 201, MedGen C4225179, MONDO:0014802, OMIM 616858.

Allele frequency attached by ClinVar (database versions not stated): gnomAD exomes below 0.00001.
gnomAD v4.1: 1 of 1,614,150 alleles (0.000062%); highest among the groups gnomAD compares: Non-Finnish European, 0.000085%; no homozygotes.

Submission:

Labcorp Genetics (formerly Invitae), Labcorp
Classification: Uncertain significance for Congenital dyserythropoietic anemia, type II; Cowden syndrome 7. Last evaluated: 2022-06-25. Review status: criteria provided, single submitter. Criteria: Invitae Variant Classification Sherloc (09022015). Collection method: clinical testing. Allele origin: germline.
Comment: In summary, the available evidence is currently insufficient to determine the role of this variant in disease. Therefore, it has been classified as a Variant of Uncertain Significance. Algorithms developed to predict the effect of missense changes on protein structure and function are either unavailable or do not agree on the potential impact of this missense change (SIFT: "Deleterious"; PolyPhen-2: "Possibly Damaging"; Align-GVGD: "Class C15"). This variant has not been reported in the literature in individuals affected with SEC23B-related conditions. This variant is not present in population databases (gnomAD no frequency). This sequence change replaces phenylalanine, which is neutral and non-polar, with leucine, which is neutral and non-polar, at codon 519 of the SEC23B protein (p.Phe519Leu).

NM_006363.6(SEC23B):c.1555T>C (p.Phe519Leu)

Gene: SEC23B (SEC23 homolog B, COPII component; plus strand). Cytogenetic location: 20p11.23.
Variant type: single nucleotide variant.
Coding change: c.1555T>C on transcript NM_006363.6 (MANE Select); coding-DNA position 1555, T replaced by C.
Protein change: p.Phe519Leu; replaces phenylalanine 519 with leucine.
Molecular consequence: missense variant.
Genome position (GRCh38, 1-based): chr20:18,543,062, T>C. VCF-style: chr20-18543062-T-C. GRCh37 (hg19) VCF-style: chr20-18523706-T-C.
Other names: c.1555T>C, p.Phe519Leu (NM_001172745.3, NM_032985.6, NM_032986.5); c.1501T>C, p.Phe501Leu (NM_001172746.3); short protein forms F501L, F519L.
Identifiers: ClinVar variation 2010604 (VCV002010604.4), dbSNP rs2517503796, ClinGen allele CA408364030.